The following is an entry in ClinVar:

NM_022124.6(CDH23):c.7685C>T (p.Ser2562Leu)

Gene: CDH23 (cadherin related 23; plus strand). Cytogenetic location: 10q22.1.
Variant type: single nucleotide variant.
Coding change: c.7685C>T on transcript NM_022124.6 (MANE Select); coding-DNA position 7685, C replaced by T.
Protein change: p.Ser2562Leu; replaces serine 2562 with leucine.
Molecular consequence: missense variant.
Genome position (GRCh38, 1-based): chr10:71,803,233, C>T. VCF-style: chr10-71803233-C-T. GRCh37 (hg19) VCF-style: chr10-73562990-C-T.
Other names: c.965C>T, p.Ser322Leu (NM_001171933.1, NM_001171934.1); short protein forms S2562L, S322L.
Identifiers: ClinVar variation 498532 (VCV000498532.11), dbSNP rs538435711, ClinGen allele CA5546424.

ClinVar aggregate classification (germline): Uncertain significance. Review status: criteria provided, multiple submitters, no conflicts (2 of 4 stars). 5 submissions from 5 submitters: Uncertain significance (4). 1 of the submissions does not count toward it. Last evaluated 2025-08-09.

Conditions:
Usher syndrome type 1 (USH1). Also called: RETINITIS PIGMENTOSA AND CONGENITAL DEAFNESS. Identifiers: Orphanet 231169, Orphanet 886, MedGen C1568247, MONDO:0010168, OMIM 276900.
Inborn genetic diseases. Identifiers: MedGen C0950123, MeSH D030342.

Allele frequency attached by ClinVar (database versions not stated): TOPMed 0.00004; gnomAD 0.00003 and 0.00001; gnomAD exomes 0.00004; ExAC 0.00006; 1000 Genomes Project 30x 0.00016; 1000 Genomes Project 0.00020.
gnomAD v4.1: 42 of 1,603,208 alleles (0.0026%); highest among the groups gnomAD compares: South Asian, 0.028%; no homozygotes.

Submissions (5):

Ambry Genetics
Classification: Uncertain significance for Inborn genetic diseases. Last evaluated: 2025-08-09. Review status: criteria provided, single submitter. Criteria: Ambry Variant Classification Scheme 2023. Collection method: clinical testing. Allele origin: germline.

Labcorp Genetics (formerly Invitae), Labcorp
Classification: Uncertain significance. Last evaluated: 2022-05-12. Review status: criteria provided, single submitter. Criteria: Invitae Variant Classification Sherloc (09022015). Collection method: clinical testing. Allele origin: germline.
Comment: This sequence change replaces serine, which is neutral and polar, with leucine, which is neutral and non-polar, at codon 2562 of the CDH23 protein (p.Ser2562Leu). This variant is present in population databases (rs538435711, gnomAD 0.02%). This variant has not been reported in the literature in individuals affected with CDH23-related conditions. ClinVar contains an entry for this variant (Variation ID: 498532). Algorithms developed to predict the effect of missense changes on protein structure and function are either unavailable or do not agree on the potential impact of this missense change (SIFT: "Deleterious"; PolyPhen-2: "Not Available"; Align-GVGD: "Class C0"). In summary, the available evidence is currently insufficient to determine the role of this variant in disease. Therefore, it has been classified as a Variant of Uncertain Significance.

Laboratory for Molecular Medicine, Mass General Brigham Personalized Medicine
Classification: Uncertain significance. Last evaluated: 2018-10-30. Review status: criteria provided, single submitter. Criteria: LMM Criteria. Collection method: clinical testing. Allele origin: germline. Observed: 4 variant alleles.
Comment: The p.Ser2562Leu variant has also been identified in 0.02% (6/28768) of South Asian chromosomes by gnomAD (g) and has been reported in ClinVar (Variation ID 498532). Computational predict ion tools and conservation analysis do not provide strong support for or against an impact to the protein. In summary, the clinical significance of the p.Ser256 2Leu variant is uncertain. ACMG/AMP Criteria applied: PM2_Supporting.

Eurofins Ntd Llc (ga)
Classification: Uncertain significance. Last evaluated: 2016-12-06. Review status: criteria provided, single submitter. Criteria: EGL Classification Definitions 2015. Collection method: clinical testing. Allele origin: germline. Observed: 1 variant allele, 1 heterozygote.

Natera, Inc.
Classification: Uncertain significance for Usher syndrome type 1. Last evaluated: 2020-09-16. Review status: no assertion criteria provided. Collection method: clinical testing. Allele origin: germline. Not counted in ClinVar's aggregate classification.